The following is an entry in ClinVar:

NC_000001.11:g.42959041del

Gene: SLC2A1 (solute carrier family 2 member 1; minus strand). Cytogenetic location: 1p34.2.
Variant type: Deletion.
Genome position: GRCh38 VCF-style: chr1-42959040-CT-C. GRCh37 (hg19) VCF-style: chr1-43424711-CT-C.
Other names: c.-390del (NM_006516.2).
Identifiers: ClinVar variation 297392 (VCV000297392.8), dbSNP rs28365848, ClinGen allele CA10611080.

ClinVar aggregate classification (germline): Benign. Review status: criteria provided, multiple submitters, no conflicts (2 of 4 stars). 6 submissions from 2 submitters: Benign (6). Last evaluated 2023-04-11.

Conditions:
Hereditary cryohydrocytosis with reduced stomatin. Also called: Stomatin-deficient cryohydrocytosis with neurologic defects; GLUT1 DEFICIENCY SYNDROME WITH PSEUDOHYPERKALEMIA AND HEMOLYSIS. Identifiers: Orphanet 168577, MedGen C1837206, MONDO:0012143, OMIM 608885.
Epilepsy, idiopathic generalized, susceptibility to, 12 (EIG12). Identifiers: MedGen C3553859, MONDO:0013919, OMIM 614847.
Dystonia 9 (DYT9). Also called: CHOREOATHETOSIS, KINESIGENIC, WITH EPISODIC ATAXIA AND SPASTICITY. Identifiers: Orphanet 53583, MedGen C1832855, MONDO:0010983, OMIM 601042.
Encephalopathy due to GLUT1 deficiency. Also called: Classic Glucose Transporter Type 1 Deficiency Syndrome; De Vivo disease; GLUT1 deficiency syndrome 1, infantile onset, severe; Glucose transporter protein syndrome; GLUT1 deficiency syndrome 1; GLUCOSE TRANSPORT DEFECT, BLOOD-BRAIN BARRIER. Identifiers: Orphanet 71277, MedGen C4551966, MONDO:0011724, OMIM 606777.
Childhood onset GLUT1 deficiency syndrome 2. Also called: Exertion-induced paroxysmal dyskinesia; PAROXYSMAL EXERCISE-INDUCED DYSKINESIA WITH OR WITHOUT EPILEPSY AND/OR HEMOLYTIC ANEMIA; PAROXYSMAL EXERTION-INDUCED DYSTONIA WITH OR WITHOUT EPILEPSY AND/OR HEMOLYTIC ANEMIA; PED WITH OR WITHOUT EPILEPSY AND/OR HEMOLYTIC ANEMIA; Paroxysmal exercise-induced dystonia; PxMD-SLC2A1. Identifiers: Orphanet 98811, MedGen C1842534, MONDO:0012805, OMIM 612126.

Allele frequency attached by ClinVar (database versions not stated): gnomAD 0.23160 and 0.23139; 1000 Genomes Project 0.23203; 1000 Genomes Project 30x 0.23595; TOPMed 0.23008; gnomAD exomes 0.19029.

Submissions (6):

Genome-Nilou Lab
Classification: Benign for Epilepsy, idiopathic generalized, susceptibility to, 12. Last evaluated: 2023-04-11. Review status: criteria provided, single submitter. Criteria: ACMG Guidelines, 2015. Collection method: clinical testing. Allele origin: germline. Affected: no.

Genome-Nilou Lab
Classification: Benign for Dystonia 9. Last evaluated: 2023-04-11. Review status: criteria provided, single submitter. Criteria: ACMG Guidelines, 2015. Collection method: clinical testing. Allele origin: germline. Affected: no.

Genome-Nilou Lab
Classification: Benign for Encephalopathy due to GLUT1 deficiency. Last evaluated: 2023-04-11. Review status: criteria provided, single submitter. Criteria: ACMG Guidelines, 2015. Collection method: clinical testing. Allele origin: germline. Affected: no.

Genome-Nilou Lab
Classification: Benign for Childhood onset GLUT1 deficiency syndrome 2. Last evaluated: 2023-04-11. Review status: criteria provided, single submitter. Criteria: ACMG Guidelines, 2015. Collection method: clinical testing. Allele origin: germline. Affected: no.

Genome-Nilou Lab
Classification: Benign for Hereditary cryohydrocytosis with reduced stomatin. Last evaluated: 2023-04-11. Review status: criteria provided, single submitter. Criteria: ACMG Guidelines, 2015. Collection method: clinical testing. Allele origin: germline. Affected: no.

GeneDx
Classification: Benign. Last evaluated: 2018-06-18. Review status: criteria provided, single submitter. Criteria: GeneDx Variant Classification (06012015). Collection method: clinical testing. Allele origin: germline. Affected: yes.
Comment: This variant is considered likely benign or benign based on one or more of the following criteria: it is a conservative change, it occurs at a poorly conserved position in the protein, it is predicted to be benign by multiple in silico algorithms, and/or has population frequency not consistent with disease.